The following is an entry in ClinVar:

NM_004268.5(MED17):c.417+1G>C

Gene: MED17 (mediator complex subunit 17; plus strand). Cytogenetic location: 11q21.
Variant type: single nucleotide variant.
Coding change: c.417+1G>C on transcript NM_004268.5 (MANE Select); the canonical splice donor site of the intron after coding-DNA position 417, G replaced by C.
Molecular consequence: splice donor variant.
Genome position (GRCh38, 1-based): chr11:93,788,168, G>C. VCF-style: chr11-93788168-G-C. GRCh37 (hg19) VCF-style: chr11-93521334-G-C.
Identifiers: ClinVar variation 2899204 (VCV002899204.3), dbSNP rs1220794170, ClinGen allele CA382390757.
Genomic context (GRCh38, chr11:93,788,168, plus strand): 5'-AGGGATAAAAAATTTATGACTCTTGATCCTGTCTCTCAGGATGCACTTCCTCCAAAACAG[G>C]TATTTGTGGACTTTAATTGAATAATAAAATTTTATTTATTAAATCCCAGGACCCTTTTTT-3'

ClinVar aggregate classification (germline): Likely pathogenic (1 of 4 stars; one submission).

gnomAD v4.1: 3 of 1,610,964 alleles (0.00019%); highest among the groups gnomAD compares: Non-Finnish European, 0.00025%; no homozygotes.

Submission:

Labcorp Genetics (formerly Invitae), Labcorp
Classification: Likely pathogenic. Last evaluated: 2023-05-02. Review status: criteria provided, single submitter. Criteria: Invitae Variant Classification Sherloc (09022015). Collection method: clinical testing. Allele origin: germline.
Comment: In summary, the currently available evidence indicates that the variant is pathogenic, but additional data are needed to prove that conclusively. Therefore, this variant has been classified as Likely Pathogenic. Algorithms developed to predict the effect of sequence changes on RNA splicing suggest that this variant may disrupt the consensus splice site. This variant has not been reported in the literature in individuals affected with MED17-related conditions. This variant is not present in population databases (gnomAD no frequency). This sequence change affects a donor splice site in intron 2 of the MED17 gene. It is expected to disrupt RNA splicing. Variants that disrupt the donor or acceptor splice site typically lead to a loss of protein function (PMID: 16199547), and loss-of-function variants in MED17 are known to be pathogenic (PMID: 20950787, 26004231, 30345598).

Literature cited by the submitters: PubMed 16199547; PubMed 20950787; PubMed 26004231; PubMed 30345598.